The following is an entry in ClinVar:

NM_001130144.3(LTBP3):c.2451G>A (p.Leu817=)

Gene: LTBP3 (latent transforming growth factor beta binding protein 3; minus strand). Cytogenetic location: 11q13.1.
Variant type: single nucleotide variant.
Coding change: c.2451G>A on transcript NM_001130144.3 (MANE Select); coding-DNA position 2451, G replaced by A.
Protein change: p.Leu817=; no amino-acid change (leucine 817 retained).
Molecular consequence: synonymous variant.
Genome position (GRCh38, 1-based): chr11:65,543,452, C>T on the plus strand (G>A on the coding strand, the complement: LTBP3 is on the minus strand). VCF-style: chr11-65543452-C-T. GRCh37 (hg19) VCF-style: chr11-65310923-C-T.
Other names: c.2100G>A, p.Leu700= (NM_001164266.1); c.2451G>A, p.Leu817= (NM_021070.4).
Identifiers: ClinVar variation 1791497 (VCV001791497.7), dbSNP rs371470683, ClinGen allele CA6100615.

ClinVar aggregate classification (germline): Likely benign. Review status: criteria provided, multiple submitters, no conflicts (2 of 4 stars). 4 submissions from 4 submitters: Likely benign (4). Last evaluated 2025-11-27.

Conditions:
Inborn genetic diseases. Identifiers: MedGen C0950123, MeSH D030342.
LTBP3-related disorder. Also called: LTBP3-related condition.
Brachyolmia-amelogenesis imperfecta syndrome. Also called: PLATYSPONDYLY WITH AMELOGENESIS IMPERFECTA; Tooth agenesis, selective, 6; Dental anomalies and short stature. Identifiers: Orphanet 2899, MedGen C1832594, MONDO:0011018, OMIM 601216. Disease mechanism: loss of function.

Allele frequency attached by ClinVar (database versions not stated): TOPMed below 0.00001; gnomAD exomes 0.00001; ExAC 0.00002; ESP Exome Variant Server 0.00008.

Submissions (4):

Labcorp Genetics (formerly Invitae), Labcorp
Classification: Likely benign for Brachyolmia-amelogenesis imperfecta syndrome. Last evaluated: 2025-11-27. Review status: criteria provided, single submitter. Criteria: Invitae Variant Classification Sherloc (09022015). Collection method: clinical testing. Allele origin: germline.

PreventionGenetics, part of Exact Sciences
Classification: Likely benign for LTBP3-related condition. Last evaluated: 2024-10-18. Review status: criteria provided, single submitter. Criteria: ACMG Guidelines, 2015. Collection method: clinical testing. Allele origin: germline.
Comment: This variant is classified as likely benign based on ACMG/AMP sequence variant interpretation guidelines (Richards et al. 2015 PMID: 25741868, with internal and published modifications).

Blueprint Genetics
Classification: Likely benign. Last evaluated: 2024-07-24. Review status: criteria provided, single submitter. Criteria: ACMG Guidelines, 2015. Collection method: clinical testing. Allele origin: germline.

Ambry Genetics
Classification: Likely benign for Inborn genetic diseases. Last evaluated: 2020-05-23. Review status: criteria provided, single submitter. Criteria: Ambry Variant Classification Scheme 2023. Collection method: clinical testing. Allele origin: germline.